The following is an entry in ClinVar:

ClinVar aggregate classification (germline): Uncertain significance (1 of 4 stars; one submission).

Conditions:
Hereditary diffuse gastric adenocarcinoma (HDGC). Also called: DIFFUSE GASTRIC AND LOBULAR BREAST CANCER SYNDROME. Identifiers: Orphanet 26106, MedGen C1708349, MONDO:0007648, OMIM 137215.

Submission:

Labcorp Genetics (formerly Invitae), Labcorp
Classification: Uncertain significance for Hereditary diffuse gastric adenocarcinoma. Last evaluated: 2022-02-24. Review status: criteria provided, single submitter. Criteria: Invitae Variant Classification Sherloc (09022015). Collection method: clinical testing. Allele origin: germline.
Comment: Algorithms developed to predict the effect of missense changes on protein structure and function (SIFT, PolyPhen-2, Align-GVGD) all suggest that this variant is likely to be disruptive. In summary, the available evidence is currently insufficient to determine the role of this variant in disease. Therefore, it has been classified as a Variant of Uncertain Significance. This variant has not been reported in the literature in individuals affected with CDH1-related conditions. This variant is not present in population databases (gnomAD no frequency). This sequence change replaces leucine, which is neutral and non-polar, with arginine, which is basic and polar, at codon 214 of the CDH1 protein (p.Leu214Arg).

NM_004360.5(CDH1):c.641T>G (p.Leu214Arg)

Gene: CDH1 (cadherin 1; plus strand). Cytogenetic location: 16q22.1.
Variant type: single nucleotide variant.
Coding change: c.641T>G on transcript NM_004360.5 (MANE Select); coding-DNA position 641, T replaced by G.
Protein change: p.Leu214Arg; replaces leucine 214 with arginine.
Molecular consequence: missense variant. On other transcripts: 5 prime UTR variant (2).
Genome position (GRCh38, 1-based): chr16:68,808,802, T>G. VCF-style: chr16-68808802-T-G. GRCh37 (hg19) VCF-style: chr16-68842705-T-G.
Other names: c.641T>G, p.Leu214Arg (NM_001317184.2); c.-975T>G (NM_001317185.2); c.-1179T>G (NM_001317186.2); short protein forms L214R.
Identifiers: ClinVar variation 2102812 (VCV002102812.4), dbSNP rs1960741733, ClinGen allele CA396458070.